The following is an entry in ClinVar:

ClinVar aggregate classification (germline): Uncertain significance (1 of 4 stars; one submission).

Conditions:
Tuberous sclerosis 2 (TSC2). Identifiers: Orphanet 805, MedGen C1860707, MONDO:0013199, OMIM 613254.

Submission:

Labcorp Genetics (formerly Invitae), Labcorp
Classification: Uncertain significance for Tuberous sclerosis 2. Last evaluated: 2025-04-09. Review status: criteria provided, single submitter. Criteria: Invitae Variant Classification Sherloc (09022015). Collection method: clinical testing. Allele origin: germline.
Comment: This sequence change replaces glutamine, which is neutral and polar, with glutamic acid, which is acidic and polar, at codon 1119 of the TSC2 protein (p.Gln1119Glu). This variant is not present in population databases (gnomAD no frequency). This variant has not been reported in the literature in individuals affected with TSC2-related conditions. Invitae Evidence Modeling of protein sequence and biophysical properties (such as structural, functional, and spatial information, amino acid conservation, physicochemical variation, residue mobility, and thermodynamic stability) indicates that this missense variant is not expected to disrupt TSC2 protein function with a negative predictive value of 95%. In summary, the available evidence is currently insufficient to determine the role of this variant in disease. Therefore, it has been classified as a Variant of Uncertain Significance.

NM_000548.5(TSC2):c.3355C>G (p.Gln1119Glu)

Gene: TSC2 (TSC complex subunit 2; plus strand). Cytogenetic location: 16p13.3.
Variant type: single nucleotide variant.
Coding change: c.3355C>G on transcript NM_000548.5 (MANE Select); coding-DNA position 3355, C replaced by G.
Protein change: p.Gln1119Glu; replaces glutamine 1119 with glutamic acid.
Molecular consequence: missense variant. On other transcripts: non-coding transcript variant (5).
Genome position (GRCh38, 1-based): chr16:2,079,627, C>G. VCF-style: chr16-2079627-C-G. GRCh37 (hg19) VCF-style: chr16-2129628-C-G.
Other names: c.2626C>G, p.Gln876Glu (NM_001406686.1, NM_001406685.1); c.2623C>G, p.Gln875Glu (NM_001406687.1, NM_001406688.1, NM_001318831.2); c.2011C>G, p.Gln671Glu (NM_001406689.1); c.1882C>G, p.Gln628Glu (NM_001406690.1, NM_001406692.1, NM_001406693.1 and 1 more transcripts); c.1879C>G, p.Gln627Glu (NM_001406691.1, NM_001406695.1, NM_001406696.1 and 1 more transcripts); c.1621C>G, p.Gln541Glu (NM_001406698.1); c.3226C>G, p.Gln1076Glu (NM_021055.3, NM_001363528.2, NM_001370405.1); c.2755C>G, p.Gln919Glu (NM_001406682.1, NM_001406683.1, NM_001406680.1); and 18 more; short protein forms Q1026E, Q1027E, Q1038E, Q1039E, Q1056E, Q1069E, Q1070E, Q1071E.
Identifiers: ClinVar variation 4802873 (VCV004802873.1).